The following is an entry in ClinVar:

NM_006767.4(LZTR1):c.1611del (p.Gly539fs)

Gene: LZTR1 (leucine zipper like post translational regulator 1; plus strand). Cytogenetic location: 22q11.21.
Variant type: Deletion.
Coding change: c.1611del on transcript NM_006767.4 (MANE Select); coding-DNA position 1611, one base deleted (G; older notation c.1611delG).
Protein change: p.Gly539fs; shifts the reading frame from glycine 539.
Molecular consequence: frameshift variant.
Genome position (GRCh38, 1-based): chr22:20,994,265, G deleted; the last of 2 consecutive G bases (chr22:20,994,264-20,994,265); deleting either gives the same sequence. VCF-style (leftmost placement, unchanged base first): chr22-20994263-CG-C. GRCh37 (hg19) VCF-style: chr22-21348552-CG-C.
Other names: short protein forms G539fs.
Identifiers: ClinVar variation 1776399 (VCV001776399.3), dbSNP rs2518621130, ClinGen allele CA2580099205.
Genomic context (GRCh38, chr22:20,994,263, plus strand): 5'-GAGGCCCGGCCCTTCGAGGTGCTCATGCAGTTCCTCTACACCGACAAGATCAAATACCCA[CG>C]GAAAGGTCCGCCTGGGTGGGGGTGGAGCAGGGTTGGTGTGGGCTGGGGTGCGGGCAGCAG-3'

ClinVar aggregate classification (germline): Pathogenic. Review status: criteria provided, multiple submitters, no conflicts (2 of 4 stars). 2 submissions from 2 submitters: Pathogenic (2). Last evaluated 2023-07-06.

Conditions:
Cardiovascular phenotype. Identifiers: MedGen CN230736.
Hereditary cancer-predisposing syndrome. Also called: Neoplastic Syndromes, Hereditary; Tumor predisposition; Hereditary Cancer Syndrome; Hereditary neoplastic syndrome. Identifiers: Orphanet 140162, MedGen C0027672, MeSH D009386, MONDO:0015356.
Noonan syndrome 2 (NS2). Identifiers: Orphanet 648, MedGen C1854469, MONDO:0011531, OMIM 605275.

Submissions (2):

3billion
Classification: Pathogenic for Noonan syndrome 2. Last evaluated: 2023-07-06. Review status: criteria provided, single submitter. Criteria: ACMG Guidelines, 2015. Collection method: clinical testing. Allele origin: germline. Affected: yes.
Comment: The variant is not observed in the gnomAD v2.1.1 dataset. Predicted Consequence/Location: Frameshift: predicted to result in a loss or disruption of normal protein function through nonsense-mediated decay (NMD) or protein truncation. Multiple pathogenic variants are reported downstream of the variant. The variant has been reported to be associated with LZTR1 related disorder (ClinVar ID: VCV001776399). Therefore, this variant is classified as Pathogenic according to the recommendation of ACMG/AMP guideline.

Ambry Genetics
Classification: Pathogenic for Cardiovascular phenotype; Hereditary cancer-predisposing syndrome. Last evaluated: 2021-12-22. Review status: criteria provided, single submitter. Criteria: Ambry Variant Classification Scheme 2023. Collection method: clinical testing. Allele origin: germline.
Comment: The c.1611delG pathogenic mutation, located in coding exon 14 of the LZTR1 gene, results from a deletion of one nucleotide at nucleotide position 1611, causing a translational frameshift with a predicted alternate stop codon (p.G539Afs*17). Loss-of-function variants in LZTR1 are related to an increased risk for schwannomas and autosomal recessive Noonan syndrome; however, such associations with autosomal dominant Noonan syndrome have not been observed (Piotrowski A et al. Nat Genet. 2014 Feb;46:182-7; Yamamoto GL et al. J Med Genet. 2015 Jun;52:413-21; Johnston JJ et al. Genet Med. 2018 10;20:1175-1185). Based on the supporting evidence, this variant is pathogenic for an increased risk of LZTR1-related schwannomatosis (SWN) and would be expected to cause autosomal recessive Noonan syndrome when present along with a second pathogenic or likely pathogenic variant on the other allele; however, the association of this alteration with autosomal dominant Noonan syndrome is unlikely.